The following is an entry in ClinVar:

ClinVar aggregate classification (germline): Uncertain significance. Review status: criteria provided, multiple submitters, no conflicts (2 of 4 stars). 3 submissions from 3 submitters: Uncertain significance (3). Last evaluated 2026-03-16.

Conditions:
Alzheimer disease. Also called: Alzheimer's disease; Presenile and senile dementia. Identifiers: Orphanet 1020, MedGen C0002395, MeSH D000544, MONDO:0004975, HP:0002511.

Submissions (3):

Women's Health and Genetics/Laboratory Corporation of America, LabCorp
Classification: Uncertain significance. Last evaluated: 2026-03-16. Review status: criteria provided, single submitter. Criteria: LabCorp Variant Classification Summary - May 2015. Collection method: clinical testing. Allele origin: germline.
Comment: Variant summary: APP c.1978A>T (p.Asn660Tyr) results in a non-conservative amino acid change in the encoded protein sequence. Algorithms developed to predict the effect of missense changes on protein structure and function all suggest that this variant is likely to be disruptive. The variant was absent in 251346 control chromosomes. The available data on variant occurrences in the general population are insufficient to allow any conclusion about variant significance. c.1978A>T has been observed in individuals affected with late onset or early onset Alzheimer Disease (e.g. Cruchaga_2012, Rehker_2017, internal data). These data do not allow any conclusion about variant significance. To our knowledge, no experimental evidence demonstrating an impact on protein function has been reported. The following publications have been ascertained in the context of this evaluation (PMID: 22312439, 28985224). ClinVar contains an entry for this variant (Variation ID: 1409975). Based on the evidence outlined above, the variant was classified as uncertain significance.

Labcorp Genetics (formerly Invitae), Labcorp
Classification: Uncertain significance for Alzheimer disease. Last evaluated: 2025-11-27. Review status: criteria provided, single submitter. Criteria: Invitae Variant Classification Sherloc (09022015). Collection method: clinical testing. Allele origin: germline.
Comment: This sequence change replaces asparagine, which is neutral and polar, with tyrosine, which is neutral and polar, at codon 660 of the APP protein (p.Asn660Tyr). This variant is not present in population databases (gnomAD no frequency). This missense change has been observed in individual(s) with clinical features of early-onset Alzheimer disease and/or late-onset Alzheimer disease (PMID: 22312439; internal data). ClinVar contains an entry for this variant (Variation ID: 1409975). Invitae Evidence Modeling of protein sequence and biophysical properties (such as structural, functional, and spatial information, amino acid conservation, physicochemical variation, residue mobility, and thermodynamic stability) indicates that this missense variant is not expected to disrupt APP protein function with a negative predictive value of 95%. In summary, the available evidence is currently insufficient to determine the role of this variant in disease. Therefore, it has been classified as a Variant of Uncertain Significance.

GeneDx
Classification: Uncertain significance. Last evaluated: 2023-11-08. Review status: criteria provided, single submitter. Criteria: GeneDx Variant Classification Process June 2021. Collection method: clinical testing. Allele origin: germline. Affected: yes.
Comment: Not observed at significant frequency in large population cohorts (gnomAD); In silico analysis supports that this missense variant does not alter protein structure/function; This variant is associated with the following publications: (PMID: 34935119, 22312439)

Literature cited by the submitters: PubMed 22312439 (cited by Women's Health and Genetics/Laboratory Corporation of America, LabCorp and Labcorp Genetics (formerly Invitae), Labcorp); PubMed 28985224 (cited by Women's Health and Genetics/Laboratory Corporation of America, LabCorp).

NM_000484.4(APP):c.1978A>T (p.Asn660Tyr)

Gene: APP (amyloid beta precursor protein; minus strand). Cytogenetic location: 21q21.3.
Variant type: single nucleotide variant.
Coding change: c.1978A>T on transcript NM_000484.4 (MANE Select); coding-DNA position 1978, A replaced by T.
Protein change: p.Asn660Tyr; replaces asparagine 660 with tyrosine.
Molecular consequence: missense variant.
Genome position (GRCh38, 1-based): chr21:25,897,659, T>A on the plus strand (A>T on the coding strand, the complement: APP is on the minus strand). VCF-style: chr21-25897659-T-A. GRCh37 (hg19) VCF-style: chr21-27269971-T-A.
Other names: c.1906A>T, p.Asn636Tyr (NM_001136016.3); c.1585A>T, p.Asn529Tyr (NM_001136129.3); c.1810A>T, p.Asn604Tyr (NM_001136130.3, NM_001385253.1); c.1648A>T, p.Asn550Tyr (NM_001136131.3); c.1924A>T, p.Asn642Tyr (NM_001204301.2); c.1867A>T, p.Asn623Tyr (NM_001204302.2); c.1699A>T, p.Asn567Tyr (NM_001204303.2); c.1921A>T, p.Asn641Tyr (NM_201413.3); and 2 more; short protein forms N604Y, N641Y, N529Y, N642Y, N660Y, N550Y, N567Y, N585Y.
Identifiers: ClinVar variation 1409975 (VCV001409975.8), dbSNP rs770773038, ClinGen allele CA409806566.